The following is an entry in ClinVar:

ClinVar aggregate classification (germline): Uncertain significance (1 of 4 stars; one submission).

Conditions:
Intellectual developmental disorder and retinitis pigmentosa; IDDRP. Also called: INTELLECTUAL DEVELOPMENTAL DISORDER AND RETINITIS PIGMENTOSA. Identifiers: MedGen C4748658, MONDO:0032594, OMIM 618195.

gnomAD v4.1: 6 of 1,613,686 alleles (0.00037%); highest among the groups gnomAD compares: East Asian, 0.0022%; no homozygotes.

Submission:

Neuberg Centre For Genomic Medicine, NCGM
Classification: Uncertain significance for Intellectual developmental disorder and retinitis pigmentosa; IDDRP. Review status: criteria provided, single submitter. Criteria: ACMG Guidelines, 2015. Collection method: clinical testing. Allele origin: germline. Inheritance: Autosomal recessive inheritance. Affected: yes.
Comment: The missense c.3661C>T(p.Arg1221Cys) variant in SCAPER gene has not been reported previously as a pathogenic variant nor as a benign variant, to our knowledge. This variant is reported with the allele frequency of 0.0007% in the gnomAD Exomes and novel in 1000 Genomes. The amino acid Arginine at position 1221 is changed to a Cysteine changing protein sequence and it might alter its composition and physico-chemical properties. The amino acid change p.Arg1221Cys in SCAPER is predicted as conserved by GERP++ and PhyloP across 100 vertebrates. For these reasons, this variant has been classified as Uncertain Significance.

NM_020843.4(SCAPER):c.3661C>T (p.Arg1221Cys)

Gene: SCAPER (S-phase cyclin A associated protein in the ER; minus strand). Cytogenetic location: 15q24.3.
Variant type: single nucleotide variant.
Coding change: c.3661C>T on transcript NM_020843.4 (MANE Select); coding-DNA position 3661, C replaced by T.
Protein change: p.Arg1221Cys; replaces arginine 1221 with cysteine.
Molecular consequence: missense variant. On other transcripts: non-coding transcript variant (1).
Genome position (GRCh38, 1-based): chr15:76,381,422, G>A on the plus strand (C>T on the coding strand, the complement: SCAPER is on the minus strand). VCF-style: chr15-76381422-G-A. GRCh37 (hg19) VCF-style: chr15-76673763-G-A.
Other names: c.2923C>T, p.Arg975Cys (NM_001145923.2); c.3679C>T, p.Arg1227Cys (NM_001353009.2); c.3259C>T, p.Arg1087Cys (NM_001353010.2, NM_001353012.2); c.3277C>T, p.Arg1093Cys (NM_001353011.2); short protein forms R1087C, R1093C, R1221C, R1227C, R975C.
Identifiers: ClinVar variation 3764500 (VCV003764500.1).